The following is an entry in ClinVar:

NM_004364.5(CEBPA):c.134C>T (p.Pro45Leu)

Gene: CEBPA (CCAAT enhancer binding protein alpha; minus strand). Cytogenetic location: 19q13.11.
Variant type: single nucleotide variant.
Coding change: c.134C>T on transcript NM_004364.5 (MANE Select); coding-DNA position 134, C replaced by T.
Protein change: p.Pro45Leu; replaces proline 45 with leucine.
Molecular consequence: missense variant. On other transcripts: 5 prime UTR variant (1).
Genome position (GRCh38, 1-based): chr19:33,302,281, G>A on the plus strand (C>T on the coding strand, the complement: CEBPA is on the minus strand). VCF-style: chr19-33302281-G-A. GRCh37 (hg19) VCF-style: chr19-33793187-G-A.
Other names: c.-224C>T (NM_001285829.2); c.239C>T, p.Pro80Leu (NM_001287424.2); c.92C>T, p.Pro31Leu (NM_001287435.2); short protein forms P45L, P80L, P31L.
Identifiers: ClinVar variation 2085421 (VCV002085421.4), dbSNP rs1967197509, ClinGen allele CA405275604.

ClinVar aggregate classification (germline): Uncertain significance (1 of 4 stars; one submission).

Conditions:
Acute myeloid leukemia (AML). Also called: Acute myeloid leukemia, adult; AML adult; Acute non-lymphocytic leukemia; Acute granulocytic leukemia; Leukemia, acute myeloid, somatic; Leukemia, acute myelogenous, somatic. Identifiers: Orphanet 519, MedGen C0023467, MeSH D015470, MONDO:0018874, OMIM 601626, HP:0004808. Disease mechanism: Constitutively activated FLT3.

Submission:

Labcorp Genetics (formerly Invitae), Labcorp
Classification: Uncertain significance for Acute myeloid leukemia. Last evaluated: 2022-03-18. Review status: criteria provided, single submitter. Criteria: Invitae Variant Classification Sherloc (09022015). Collection method: clinical testing. Allele origin: germline.
Comment: Algorithms developed to predict the effect of missense changes on protein structure and function output the following: SIFT: "Tolerated"; PolyPhen-2: "Benign"; Align-GVGD: "Class C0". The leucine amino acid residue is found in multiple mammalian species, which suggests that this missense change does not adversely affect protein function. In summary, the available evidence is currently insufficient to determine the role of this variant in disease. Therefore, it has been classified as a Variant of Uncertain Significance. This variant has not been reported in the literature in individuals affected with CEBPA-related conditions. This sequence change replaces proline, which is neutral and non-polar, with leucine, which is neutral and non-polar, at codon 45 of the CEBPA protein (p.Pro45Leu). This variant is not present in population databases (gnomAD no frequency).